The following is an entry in ClinVar:

ClinVar aggregate classification (germline): Uncertain significance (1 of 4 stars; one submission).

Submission:

GeneDx
Classification: Uncertain significance. Last evaluated: 2020-11-19. Review status: criteria provided, single submitter. Criteria: GeneDx Variant Classification Process June 2021. Collection method: clinical testing. Allele origin: germline. Affected: yes.
Comment: Not observed in large population cohorts (Lek et al., 2016); In silico analysis, which includes splice predictors and evolutionary conservation, supports a deleterious effect; Has not been previously published as pathogenic or benign to our knowledge

NM_153252.5(BRWD3):c.591+4A>C

Gene: BRWD3 (bromodomain and WD repeat domain containing 3; minus strand). Cytogenetic location: Xq21.1.
Variant type: single nucleotide variant.
Coding change: c.591+4A>C on transcript NM_153252.5 (MANE Select); 4 bases into the intron after coding-DNA position 591, A replaced by C.
Molecular consequence: intron variant.
Genome position (GRCh38, 1-based): chrX:80,745,565, T>G on the plus strand (A>C on the coding strand, the complement: BRWD3 is on the minus strand). VCF-style: chrX-80745565-T-G. GRCh37 (hg19) VCF-style: chrX-80001064-T-G.
Identifiers: ClinVar variation 1196437 (VCV001196437.2), dbSNP rs2147792179, ClinGen allele CA2499226892.